The following is an entry in ClinVar:

NM_001174150.2(ARL13B):c.41G>A (p.Arg14Gln)

Gene: ARL13B (ARF like GTPase 13B; plus strand). Cytogenetic location: 3q11.1.
Variant type: single nucleotide variant.
Coding change: c.41G>A on transcript NM_001174150.2 (MANE Select); coding-DNA position 41, G replaced by A.
Protein change: p.Arg14Gln; replaces arginine 14 with glutamine.
Molecular consequence: missense variant. On other transcripts: 5 prime UTR variant (2), non-coding transcript variant (2).
Genome position (GRCh38, 1-based): chr3:93,980,464, G>A. VCF-style: chr3-93980464-G-A. GRCh37 (hg19) VCF-style: chr3-93699308-G-A.
Other names: c.-198G>A (NM_001174151.2); c.-127G>A (NM_001321328.2); c.41G>A, p.Arg14Gln (NM_144996.4, NM_182896.3); short protein forms R14Q.
Identifiers: ClinVar variation 1413703 (VCV001413703.8), dbSNP rs1163274036, ClinGen allele CA353675084.

ClinVar aggregate classification (germline): Uncertain significance. Review status: criteria provided, multiple submitters, no conflicts (2 of 4 stars). 2 submissions from 2 submitters: Uncertain significance (2). Last evaluated 2024-03-07.

Conditions:
Joubert syndrome 8 (JBTS8). Identifiers: Orphanet 475, MedGen C2676771, MONDO:0012855, OMIM 612291.

Allele frequency attached by ClinVar (database versions not stated): gnomAD exomes below 0.00001 and 0.00001; gnomAD 0.00001; TOPMed 0.00001.

Submissions (2):

Fulgent Genetics
Classification: Uncertain significance for Joubert syndrome 8. Last evaluated: 2024-03-07. Review status: criteria provided, single submitter. Criteria: ACMG Guidelines, 2015. Collection method: clinical testing. Allele origin: germline.

Labcorp Genetics (formerly Invitae), Labcorp
Classification: Uncertain significance for Joubert syndrome 8. Last evaluated: 2022-07-12. Review status: criteria provided, single submitter. Criteria: Invitae Variant Classification Sherloc (09022015). Collection method: clinical testing. Allele origin: germline.
Comment: ClinVar contains an entry for this variant (Variation ID: 1413703). In summary, the available evidence is currently insufficient to determine the role of this variant in disease. Therefore, it has been classified as a Variant of Uncertain Significance. Algorithms developed to predict the effect of missense changes on protein structure and function are either unavailable or do not agree on the potential impact of this missense change (SIFT: "Tolerated"; PolyPhen-2: "Possibly Damaging"; Align-GVGD: "Class C0"). This variant has not been reported in the literature in individuals affected with ARL13B-related conditions. This variant is present in population databases (no rsID available, gnomAD 0.002%). This sequence change replaces arginine, which is basic and polar, with glutamine, which is neutral and polar, at codon 14 of the ARL13B protein (p.Arg14Gln).